The following is an entry in ClinVar:

NM_024079.5(ALG8):c.259C>T (p.Gln87Ter)

Gene: ALG8 (ALG8 alpha-1,3-glucosyltransferase; minus strand). Cytogenetic location: 11q14.1.
Variant type: single nucleotide variant.
Coding change: c.259C>T on transcript NM_024079.5 (MANE Select); coding-DNA position 259, C replaced by T.
Protein change: p.Gln87Ter; replaces glutamine 87 with a stop codon.
Molecular consequence: nonsense.
Genome position (GRCh38, 1-based): chr11:78,124,130, G>A on the plus strand (C>T on the coding strand, the complement: ALG8 is on the minus strand). VCF-style: chr11-78124130-G-A. GRCh37 (hg19) VCF-style: chr11-77835176-G-A.
Other names: c.259C>T, p.Gln87Ter (NM_001007027.3); short protein forms Q87*.
Identifiers: ClinVar variation 2123918 (VCV002123918.4), dbSNP rs2497114826, ClinGen allele CA382121180.
Genomic context (GRCh38, chr11:78,124,130, plus strand): 5'-TCTGGAAAAGTAAGGTCCTTGAGCTGGAGTAATTCAAATTATGGACATTCAGCATTTCTT[G>A]ATCAAAATATTTGGCAACATGTGACAGGATATACTCAAACCATGCAAAGAAAGGGGGGTA-3'

ClinVar aggregate classification (germline): Pathogenic (1 of 4 stars; one submission).

Conditions:
ALG8 congenital disorder of glycosylation. Also called: CDG Ih; ALG8-CDG; CONGENITAL DISORDER OF GLYCOSYLATION, TYPE Ih. Identifiers: Orphanet 79325, MedGen C2931002, MONDO:0011969, OMIM 608104.

Submission:

Labcorp Genetics (formerly Invitae), Labcorp
Classification: Pathogenic for ALG8 congenital disorder of glycosylation. Last evaluated: 2022-04-09. Review status: criteria provided, single submitter. Criteria: Invitae Variant Classification Sherloc (09022015). Collection method: clinical testing. Allele origin: germline.
Comment: This sequence change creates a premature translational stop signal (p.Gln87*) in the ALG8 gene. It is expected to result in an absent or disrupted protein product. Loss-of-function variants in ALG8 are known to be pathogenic (PMID: 19862844). For these reasons, this variant has been classified as Pathogenic. Algorithms developed to predict the effect of sequence changes on RNA splicing suggest that this variant may disrupt the consensus splice site. This variant has not been reported in the literature in individuals affected with ALG8-related conditions. This variant is not present in population databases (gnomAD no frequency).

Literature cited by the submitters: PubMed 19862844.